The following is an entry in ClinVar:

NM_000321.3(RB1):c.1914C>A (p.Thr638=)

Gene: RB1 (RB transcriptional corepressor 1; plus strand). Cytogenetic location: 13q14.2.
Variant type: single nucleotide variant.
Coding change: c.1914C>A on transcript NM_000321.3 (MANE Select); coding-DNA position 1914, C replaced by A.
Protein change: p.Thr638=; no amino-acid change (threonine 638 retained).
Molecular consequence: synonymous variant.
Genome position (GRCh38, 1-based): chr13:48,456,303, C>A. VCF-style: chr13-48456303-C-A. GRCh37 (hg19) VCF-style: chr13-49030439-C-A.
Identifiers: ClinVar variation 703539 (VCV000703539.17), dbSNP rs770072166, ClinGen allele CA033021.

ClinVar aggregate classification (germline): Benign/Likely benign. Review status: criteria provided, multiple submitters, no conflicts (2 of 4 stars). 3 submissions from 3 submitters: Benign (1); Likely benign (2). Last evaluated 2026-06-25.

Conditions:
Hereditary cancer-predisposing syndrome. Also called: Hereditary Cancer Syndrome; Hereditary neoplastic syndrome; Neoplastic Syndromes, Hereditary; Tumor predisposition. Identifiers: Orphanet 140162, MedGen C0027672, MeSH D009386, MONDO:0015356.
Retinoblastoma (RB1). Also called: RETINOBLASTOMA, SOMATIC. Identifiers: Orphanet 790, MedGen C0035335, MeSH D012175, MONDO:0008380, OMIM 180200, HP:0009919. Disease mechanism: loss of function. Inheritance: Both sporadic and heritable forms are tested..

Allele frequency attached by ClinVar (database versions not stated): TOPMed below 0.00001; ExAC 0.00001; gnomAD exomes below 0.00001.
gnomAD v4.1: 1 of 1,614,112 alleles (0.000062%); no homozygotes.

Submissions (3):

Myriad Genetics, Inc.
Classification: Benign for Retinoblastoma. Last evaluated: 2026-06-25. Review status: criteria provided, single submitter. Criteria: Myriad Autosomal Dominant, Autosomal Recessive and X-Linked Classification Criteria (2023). Collection method: clinical testing. Allele origin: unknown.
Comment: This variant is considered benign. This variant is a silent/synonymous amino acid change and it is not expected to impact splicing.

Labcorp Genetics (formerly Invitae), Labcorp
Classification: Likely benign for Retinoblastoma. Last evaluated: 2026-01-19. Review status: criteria provided, single submitter. Criteria: Invitae Variant Classification Sherloc (09022015). Collection method: clinical testing. Allele origin: germline.

Ambry Genetics
Classification: Likely benign for Hereditary cancer-predisposing syndrome. Last evaluated: 2019-12-02. Review status: criteria provided, single submitter. Criteria: Ambry Variant Classification Scheme 2023. Collection method: clinical testing. Allele origin: germline.